The following is an entry in ClinVar:

ClinVar aggregate classification (germline): Pathogenic (1 of 4 stars; one submission).

Conditions:
UBE3A-related disorder. Also called: UBE3A-related condition.

Submission:

PreventionGenetics, part of Exact Sciences
Classification: Pathogenic for UBE3A-related condition. Last evaluated: 2023-05-08. Review status: criteria provided, single submitter. Criteria: ACMG Guidelines, 2015. Collection method: clinical testing. Allele origin: germline.
Comment: The UBE3A c.2472_2475dupTTTA variant is predicted to result in a frameshift and premature protein termination (p.Leu826Phefs*12). To our knowledge, this variant has not been reported in the literature or in a large population database, indicating this variant is rare. Frameshift variants in UBE3A are expected to be pathogenic, and therefore we interpret c.2472_2475dup (p.Leu826Phefs*12) as pathogenic.

NM_130839.5(UBE3A):c.2532_2535dup (p.Leu846fs)

Genes: SNHG14 (small nucleolar RNA host gene 14; plus strand), UBE3A (ubiquitin protein ligase E3A; minus strand). Cytogenetic location: 15q11.2.
Variant type: Duplication.
Coding change: c.2532_2535dup on transcript NM_130839.5 (MANE Select); coding-DNA positions 2532 to 2535, 4 bases duplicated (TTTA; older notation c.2532_2535dupTTTA).
Protein change: p.Leu846fs; shifts the reading frame from leucine 846.
Molecular consequence: frameshift variant. On other transcripts: non-coding transcript variant (1).
Genome position (GRCh38, 1-based): chr15:25,339,221-25,339,224, TAAA duplicated on the plus strand (TTTA on the coding strand, the reverse complement: UBE3A is on the minus strand). VCF-style (leftmost placement, unchanged base first): chr15-25339220-G-GTAAA. GRCh37 (hg19) VCF-style: chr15-25584367-G-GTAAA.
Other names: c.2541_2544dup, p.Leu849fs (NM_000462.5); c.2532_2535dup, p.Leu846fs (NM_001354505.1, NM_001354538.2); c.2472_2475dup, p.Leu826fs (NM_001354506.2, NM_001354507.2, NM_001354508.2 and 14 more transcripts); c.2376_2379dup, p.Leu794fs (NM_001354545.2); c.2355_2358dup, p.Leu787fs (NM_001354546.2); c.2316_2319dup, p.Leu774fs (NM_001354547.2, NM_001354548.2); c.2307_2310dup, p.Leu771fs (NM_001354549.2); c.1281_1284dup, p.Leu429fs (NM_001354550.2); and 2 more; short protein forms L409fs, L429fs, L771fs, L774fs, L787fs, L794fs, L826fs, L846fs.
Identifiers: ClinVar variation 2633102 (VCV002633102.1), dbSNP rs2552181695, ClinGen allele CA2695197225.
Genomic context (GRCh38, chr15:25,339,220, plus strand): 5'-CATACGTGATGGCCTTCAACAATCTCTCTTTAAGTTTTTCTTTGCTTGAGTATTCCGGAA[G>GTAAA]TAAAAGCACATTAAAGCAAGTATGAGATGTAGGTAACCTAAATAGAGAAAAGGGGAAAAA-3'